The following is an entry in ClinVar:

ClinVar aggregate classification (germline): Uncertain significance (1 of 4 stars; one submission).

Conditions:
Desmin-related myofibrillar myopathy (MFM1). Also called: Desminopathy; Desmin related myopathy (former name); Desmin storage myopathy (former name); MYOFIBRILLAR MYOPATHY WITH ARRHYTHMOGENIC RIGHT VENTRICULAR CARDIOMYOPATHY; DESMIN-RELATED MYOPATHY WITH ARRHYTHMOGENIC RIGHT VENTRICULAR CARDIOMYOPATHY; Myofibrillar myopathy 1. Identifiers: Orphanet 363543, Orphanet 98909, MedGen C1832370, MONDO:0011076, OMIM 601419.

gnomAD v4.1: 5 of 1,601,838 alleles (0.00031%); highest among the groups gnomAD compares: Non-Finnish European, 0.00043%; no homozygotes.

Submission:

Labcorp Genetics (formerly Invitae), Labcorp
Classification: Uncertain significance for Desmin-related myofibrillar myopathy. Last evaluated: 2021-01-16. Review status: criteria provided, single submitter. Criteria: Invitae Variant Classification Sherloc (09022015). Collection method: clinical testing. Allele origin: germline.
Comment: This sequence change replaces glycine with arginine at codon 27 of the DES protein (p.Gly27Arg). The glycine residue is weakly conserved and there is a moderate physicochemical difference between glycine and arginine. This variant is not present in population databases (ExAC no frequency). This variant has not been reported in the literature in individuals with DES-related conditions. Algorithms developed to predict the effect of missense changes on protein structure and function are either unavailable or do not agree on the potential impact of this missense change (SIFT: "Tolerated"; PolyPhen-2: "Not Available"; Align-GVGD: "Class C0"). In summary, the available evidence is currently insufficient to determine the role of this variant in disease. Therefore, it has been classified as a Variant of Uncertain Significance.

NM_001927.4(DES):c.79G>C (p.Gly27Arg)

Gene: DES (desmin; plus strand). Cytogenetic location: 2q35.
Variant type: single nucleotide variant.
Coding change: c.79G>C on transcript NM_001927.4 (MANE Select); coding-DNA position 79, G replaced by C.
Protein change: p.Gly27Arg; replaces glycine 27 with arginine.
Molecular consequence: missense variant.
Genome position (GRCh38, 1-based): chr2:219,418,541, G>C. VCF-style: chr2-219418541-G-C. GRCh37 (hg19) VCF-style: chr2-220283263-G-C.
Other names: c.79G>C, p.Gly27Arg (NM_001382708.1, NM_001382709.1, NM_001382710.1 and 3 more transcripts); short protein forms G27R.
Identifiers: ClinVar variation 1365297 (VCV001365297.8), dbSNP rs727504877, ClinGen allele CA350682707.